The following is an entry in ClinVar:

ClinVar aggregate classification (germline): Likely pathogenic. Review status: criteria provided, multiple submitters, no conflicts (2 of 4 stars). 2 submissions from 2 submitters: Likely pathogenic (2). Last evaluated 2019-01-26.

Conditions:
Familial thoracic aortic aneurysm and aortic dissection (TAAD). Also called: Thoracic aortic aneurysms and dissections. Identifiers: Orphanet 91387, MedGen C4707243, MONDO:0019625.
Hereditary cancer-predisposing syndrome. Also called: Neoplastic Syndromes, Hereditary; Tumor predisposition; Hereditary Cancer Syndrome; Hereditary neoplastic syndrome. Identifiers: Orphanet 140162, MedGen C0027672, MeSH D009386, MONDO:0015356.
Juvenile polyposis syndrome (JPS). Identifiers: Orphanet 2929, MedGen C0345893, MONDO:0017380, OMIM 174900.

Submissions (2):

Labcorp Genetics (formerly Invitae), Labcorp
Classification: Likely pathogenic for Juvenile polyposis syndrome. Last evaluated: 2019-01-26. Review status: criteria provided, single submitter. Criteria: Invitae Variant Classification Sherloc (09022015). Collection method: clinical testing. Allele origin: germline.
Comment: This variant is not present in population databases (ExAC no frequency). In summary, the currently available evidence indicates that the variant is pathogenic, but additional data are needed to prove that conclusively. Therefore, this variant has been classified as Likely Pathogenic. Donor and acceptor splice site variants typically lead to a loss of protein function (PMID: 16199547), and loss-of-function variants in SMAD4 are known to be pathogenic (PMID: 16152648, 16436638, 22810475). This variant has not been reported in the literature in individuals with SMAD4-related conditions. ClinVar contains an entry for this variant (Variation ID: 520191). This sequence change affects an acceptor splice site in intron 2 of the SMAD4 gene. It is expected to disrupt RNA splicing and likely results in an absent or disrupted protein product.

Ambry Genetics
Classification: Likely pathogenic for Hereditary cancer-predisposing syndrome; Familial thoracic aortic aneurysm and aortic dissection. Last evaluated: 2016-12-29. Review status: criteria provided, single submitter. Criteria: Ambry Variant Classification Scheme 2023. Collection method: clinical testing. Allele origin: germline.
Comment: The c.250-1G>C intronic variant results from a G to C substitution one nucleotide upstream from coding exon 2 of the SMAD4 gene. This nucleotide position is highly conserved conserved in available vertebrate species. Using the BDGP and ESEfinder splice site prediction tools, this alteration is predicted to abolish the native splice acceptor site; however, direct evidence is unavailable. Alterations that disrupt the canonical splice site are expected to cause aberrant splicing, resulting in an abnormal protein or a transcript that is subject to nonsense-mediated mRNA decay. As such, this alteration is classified as likely pathogenic.

Literature cited by the submitters: PubMed 16199547 (cited by Labcorp Genetics (formerly Invitae), Labcorp); PubMed 16152648 (cited by Labcorp Genetics (formerly Invitae), Labcorp); PubMed 16436638 (cited by Labcorp Genetics (formerly Invitae), Labcorp); PubMed 22810475 (cited by Labcorp Genetics (formerly Invitae), Labcorp).

NM_005359.6(SMAD4):c.250-1G>C

Gene: SMAD4 (SMAD family member 4; plus strand). Cytogenetic location: 18q21.2.
Variant type: single nucleotide variant.
Coding change: c.250-1G>C on transcript NM_005359.6 (MANE Select); the canonical splice acceptor site of the intron before coding-DNA position 250, G replaced by C.
Molecular consequence: splice acceptor variant.
Genome position (GRCh38, 1-based): chr18:51,048,685, G>C. VCF-style: chr18-51048685-G-C. GRCh37 (hg19) VCF-style: chr18-48575055-G-C.
Other names: c.250-1G>C (NM_001407042.1, NM_001407041.1, NM_001407043.1).
Identifiers: ClinVar variation 520191 (VCV000520191.13), dbSNP rs1555685149, ClinGen allele CA402458163.
Genomic context (GRCh38, chr18:51,048,685, plus strand): 5'-GAATATATAAAAGTGTCTTGCATAATGTGACACATGAATAAATGGTCGTTTATTTTTCTA[G>C]GTGGCTGGTCGGAAAGGATTTCCTCATGTGATCTATGCCCGTCTCTGGAGGTGGCCTGAT-3'